The following is an entry in ClinVar:

NM_015268.4(DNAJC13):c.5983G>A (p.Val1995Ile)

Gene: DNAJC13 (DnaJ heat shock protein family (Hsp40) member C13; plus strand). Cytogenetic location: 3q22.1.
Variant type: single nucleotide variant.
Coding change: c.5983G>A on transcript NM_015268.4 (MANE Select); coding-DNA position 5983, G replaced by A.
Protein change: p.Val1995Ile; replaces valine 1995 with isoleucine.
Molecular consequence: missense variant.
Genome position (GRCh38, 1-based): chr3:132,523,636, G>A. VCF-style: chr3-132523636-G-A. GRCh37 (hg19) VCF-style: chr3-132242480-G-A.
Other names: c.5998G>A, p.Val2000Ile (NM_001329126.2); short protein forms V1995I, V2000I.
Identifiers: ClinVar variation 3036719 (VCV003036719.2), dbSNP rs10935014, ClinGen allele CA2619999.

ClinVar aggregate classification (germline): Uncertain significance (0 of 4 stars; one submission).

Conditions:
DNAJC13-related disorder. Also called: DNAJC13-related condition.

Allele frequency attached by ClinVar (database versions not stated): 1000 Genomes Project 30x 0.00031.
gnomAD v4.1: 42 of 1,614,090 alleles (0.0026%); highest among the groups gnomAD compares: Admixed American, 0.018%; no homozygotes.

Submission:

PreventionGenetics, part of Exact Sciences
Classification: Uncertain significance for DNAJC13-related condition. Last evaluated: 2024-01-05. Review status: no assertion criteria provided. Collection method: clinical testing. Allele origin: germline.
Comment: The DNAJC13 c.5983G>A variant is predicted to result in the amino acid substitution p.Val1995Ile. To our knowledge, this variant has not been reported in the literature. This variant is reported in 0.028% of alleles in individuals of Latino descent in gnomAD. At this time, the clinical significance of this variant is uncertain due to the absence of conclusive functional and genetic evidence.